The following is an entry in ClinVar:

ClinVar aggregate classification (germline): Uncertain significance. Review status: criteria provided, multiple submitters, no conflicts (2 of 4 stars). 5 submissions from 5 submitters: Uncertain significance (5). Last evaluated 2025-08-06.

Conditions:
Cardiovascular phenotype. Identifiers: MedGen CN230736.
Cardiomyopathy (CMYO). Also called: Cardiomyopathies. Identifiers: Orphanet 167848, MedGen C0878544, MONDO:0004994, HP:0001638. Inheritance: Various modes of inheritance.
Arrhythmogenic right ventricular dysplasia 11. Also called: Arrhythmogenic Right Ventricular Dysplasia/Cardiomyopathy11; ARRHYTHMOGENIC RIGHT VENTRICULAR DYSPLASIA, FAMILIAL, 11; Arrhythmogenic right ventricular dysplasia 11 with mild palmoplantar keratoderma and woolly hair. Identifiers: MedGen C1864850, MONDO:0012506, OMIM 610476.

Allele frequency attached by ClinVar (database versions not stated): gnomAD exomes below 0.00001 and 0.00001; TOPMed 0.00001; gnomAD 0.00001; ExAC 0.00001.
gnomAD v4.1: 15 of 1,613,988 alleles (0.00093%); highest among the groups gnomAD compares: African/African-American, 0.0013%; no homozygotes.

Submissions (5):

Labcorp Genetics (formerly Invitae), Labcorp
Classification: Uncertain significance for Arrhythmogenic right ventricular dysplasia 11. Last evaluated: 2025-08-06. Review status: criteria provided, single submitter. Criteria: Invitae Variant Classification Sherloc (09022015). Collection method: clinical testing. Allele origin: germline.
Comment: This sequence change replaces glutamic acid, which is acidic and polar, with lysine, which is basic and polar, at codon 785 of the DSC2 protein (p.Glu785Lys). This variant is present in population databases (rs752873618, gnomAD 0.0009%). This variant has not been reported in the literature in individuals affected with DSC2-related conditions. ClinVar contains an entry for this variant (Variation ID: 263563). Invitae Evidence Modeling of protein sequence and biophysical properties (such as structural, functional, and spatial information, amino acid conservation, physicochemical variation, residue mobility, and thermodynamic stability) indicates that this missense variant is not expected to disrupt DSC2 protein function with a negative predictive value of 80%. In summary, the available evidence is currently insufficient to determine the role of this variant in disease. Therefore, it has been classified as a Variant of Uncertain Significance.

Color Diagnostics, LLC DBA Color Health
Classification: Uncertain significance for Cardiomyopathy. Last evaluated: 2024-03-07. Review status: criteria provided, single submitter. Criteria: ACMG Guidelines, 2015. Collection method: clinical testing. Allele origin: germline.
Comment: This missense variant replaces glutamic acid with lysine at codon 785 of the DSC2 protein. Computational prediction suggests that this variant may not impact protein structure and function (internally defined REVEL score threshold <= 0.5, PMID: 27666373). To our knowledge, functional studies have not been reported for this variant. This variant has not been reported in individuals affected with cardiovascular disorders in the literature. This variant has been identified in 1/251110 chromosomes in the general population by the Genome Aggregation Database (gnomAD). The available evidence is insufficient to determine the role of this variant in disease conclusively. Therefore, this variant is classified as a Variant of Uncertain Significance.

Fulgent Genetics
Classification: Uncertain significance for Arrhythmogenic right ventricular dysplasia 11. Last evaluated: 2021-09-01. Review status: criteria provided, single submitter. Criteria: ACMG Guidelines, 2015. Collection method: clinical testing. Allele origin: unknown.

Revvity Omics, Revvity
Classification: Uncertain significance for Arrhythmogenic right ventricular dysplasia 11. Last evaluated: 2020-04-28. Review status: criteria provided, single submitter. Criteria: ACMG Guidelines, 2015. Collection method: clinical testing. Allele origin: germline.

Ambry Genetics
Classification: Uncertain significance for Cardiovascular phenotype. Last evaluated: 2019-10-09. Review status: criteria provided, single submitter. Criteria: Ambry Autosomal Dominant and X-Linked criteria (3/2017). Collection method: clinical testing. Allele origin: germline. Observed: 1 variant allele.
Comment: The p.E785K variant (also known as c.2353G>A), located in coding exon 15 of the DSC2 gene, results from a G to A substitution at nucleotide position 2353. The glutamic acid at codon 785 is replaced by lysine, an amino acid with similar properties. This amino acid position is well conserved in available vertebrate species. In addition, the in silico prediction for this alteration is inconclusive. Since supporting evidence is limited at this time, the clinical significance of this alteration remains unclear.

NM_024422.6(DSC2):c.2353G>A (p.Glu785Lys)

Gene: DSC2 (desmocollin 2; minus strand). Cytogenetic location: 18q12.1.
Variant type: single nucleotide variant.
Coding change: c.2353G>A on transcript NM_024422.6 (MANE Select); coding-DNA position 2353, G replaced by A.
Protein change: p.Glu785Lys; replaces glutamic acid 785 with lysine.
Molecular consequence: missense variant.
Genome position (GRCh38, 1-based): chr18:31,069,049, C>T on the plus strand (G>A on the coding strand, the complement: DSC2 is on the minus strand). VCF-style: chr18-31069049-C-T. GRCh37 (hg19) VCF-style: chr18-28649015-C-T.
Other names: c.2353G>A, p.Glu785Lys (NM_004949.5); short protein forms E785K.
Identifiers: ClinVar variation 263563 (VCV000263563.17), dbSNP rs752873618, ClinGen allele CA036338.